The following is an entry in ClinVar:

NM_000257.4(MYH7):c.3458C>G (p.Ala1153Gly)

Gene: MYH7 (myosin heavy chain 7; minus strand). Cytogenetic location: 14q11.2.
Variant type: single nucleotide variant.
Coding change: c.3458C>G on transcript NM_000257.4 (MANE Select); coding-DNA position 3458, C replaced by G.
Protein change: p.Ala1153Gly; replaces alanine 1153 with glycine.
Molecular consequence: missense variant.
Genome position (GRCh38, 1-based): chr14:23,420,113, G>C on the plus strand (C>G on the coding strand, the complement: MYH7 is on the minus strand). VCF-style: chr14-23420113-G-C. GRCh37 (hg19) VCF-style: chr14-23889322-G-C.
Other names: short protein forms A1153G.
Identifiers: ClinVar variation 1427788 (VCV001427788.6), dbSNP rs2138654320, ClinGen allele CA389043821.

ClinVar aggregate classification (germline): Uncertain significance (1 of 4 stars; one submission).

Conditions:
Hypertrophic cardiomyopathy. Also called: HYPERTROPHIC MYOCARDIOPATHY. Identifiers: Orphanet 217569, MedGen C0007194, MeSH D002312, MONDO:0005045, HP:0001639.

Submission:

Labcorp Genetics (formerly Invitae), Labcorp
Classification: Uncertain significance for Hypertrophic cardiomyopathy. Last evaluated: 2021-11-27. Review status: criteria provided, single submitter. Criteria: Invitae Variant Classification Sherloc (09022015). Collection method: clinical testing. Allele origin: germline.
Comment: This variant has not been reported in the literature in individuals affected with MYH7-related conditions. This variant is not present in population databases (gnomAD no frequency). This sequence change replaces alanine, which is neutral and non-polar, with glycine, which is neutral and non-polar, at codon 1153 of the MYH7 protein (p.Ala1153Gly). Algorithms developed to predict the effect of missense changes on protein structure and function are either unavailable or do not agree on the potential impact of this missense change (SIFT: "Deleterious"; PolyPhen-2: "Probably Damaging"; Align-GVGD: "Class C0"). In summary, the available evidence is currently insufficient to determine the role of this variant in disease. Therefore, it has been classified as a Variant of Uncertain Significance.